The following is an entry in ClinVar:

NM_006231.4(POLE):c.4050C>T (p.Leu1350=)

Gene: POLE (DNA polymerase epsilon, catalytic subunit; minus strand). Cytogenetic location: 12q24.33.
Variant type: single nucleotide variant.
Coding change: c.4050C>T on transcript NM_006231.4 (MANE Select); coding-DNA position 4050, C replaced by T.
Protein change: p.Leu1350=; no amino-acid change (leucine 1350 retained).
Molecular consequence: synonymous variant.
Genome position (GRCh38, 1-based): chr12:132,649,028, G>A on the plus strand (C>T on the coding strand, the complement: POLE is on the minus strand). VCF-style: chr12-132649028-G-A. GRCh37 (hg19) VCF-style: chr12-133225614-G-A.
Identifiers: ClinVar variation 413589 (VCV000413589.15), dbSNP rs764888601, ClinGen allele CA6893012.
Genomic context (GRCh38, chr12:132,649,028, plus strand): 5'-CTGGTTCACGTAGAACACACGGGGGATGCTCAGCCTGATGCAGTGCAAGTCACTGCCAAC[G>A]AGCGCCCACAGCCTGAACAGGCCGGCCTGGCTGGTCTCGCTGATCTGAAAGGCCACACGG-3'
Protein context (NP_006222.2, residues 1340-1360): SQAGLFRLWA[Leu1350=]VGSDLHCIRL

ClinVar aggregate classification (germline): Conflicting classifications of pathogenicity. Review status: criteria provided, conflicting classifications (1 of 4 stars). 3 submissions from 3 submitters: Uncertain significance (1); Likely benign (2). Last evaluated 2026-01-19.

Conditions:
Hereditary cancer-predisposing syndrome. Also called: Neoplastic Syndromes, Hereditary; Tumor predisposition; Hereditary Cancer Syndrome; Hereditary neoplastic syndrome. Identifiers: Orphanet 140162, MedGen C0027672, MeSH D009386, MONDO:0015356.

Allele frequency attached by ClinVar (database versions not stated): gnomAD exomes 0.00001 and 0.00002; TOPMed 0.00001; ExAC 0.00002; gnomAD 0.00003.
gnomAD v4.1: 15 of 1,613,590 alleles (0.00093%); highest among the groups gnomAD compares: African/African-American, 0.0053%; no homozygotes.

Submissions (3):

Labcorp Genetics (formerly Invitae), Labcorp
Classification: Likely benign. Last evaluated: 2026-01-19. Review status: criteria provided, single submitter. Criteria: Invitae Variant Classification Sherloc (09022015). Collection method: clinical testing. Allele origin: germline.

GeneDx
Classification: Uncertain significance. Last evaluated: 2022-05-12. Review status: criteria provided, single submitter. Criteria: GeneDx Variant Classification Process June 2021. Collection method: clinical testing. Allele origin: germline. Affected: yes.
Comment: Not observed at significant frequency in large population cohorts (gnomAD); In silico analysis supports that this variant does not alter splicing; Has not been previously published as pathogenic or benign to our knowledge

Ambry Genetics
Classification: Likely benign for Hereditary cancer-predisposing syndrome. Last evaluated: 2019-08-29. Review status: criteria provided, single submitter. Criteria: Ambry Variant Classification Scheme 2023. Collection method: clinical testing. Allele origin: germline.